The following is an entry in ClinVar:

ClinVar aggregate classification (germline): Uncertain significance. Review status: criteria provided, multiple submitters, no conflicts (2 of 4 stars). 2 submissions from 2 submitters: Uncertain significance (2). Last evaluated 2025-12-02.

Conditions:
Inborn genetic diseases. Identifiers: MedGen C0950123, MeSH D030342.
Joubert syndrome. Also called: CEREBELLOPARENCHYMAL DISORDER IV; JOUBERT-BOLTSHAUSER SYNDROME; Familial aplasia of the vermis. Identifiers: Orphanet 475, MedGen C5979921, MONDO:0018772.

Allele frequency attached by ClinVar (database versions not stated): ExAC 0.00001; gnomAD 0.00001; gnomAD exomes 0.00001.
gnomAD v4.1: 9 of 1,613,718 alleles (0.00056%); highest among the groups gnomAD compares: African/African-American, 0.0013%; no homozygotes.

Submissions (2):

Ambry Genetics
Classification: Uncertain significance for Inborn genetic diseases. Last evaluated: 2025-12-02. Review status: criteria provided, single submitter. Criteria: Ambry Variant Classification Scheme 2023. Collection method: clinical testing. Allele origin: germline.

Labcorp Genetics (formerly Invitae), Labcorp
Classification: Uncertain significance for Joubert syndrome. Last evaluated: 2022-03-19. Review status: criteria provided, single submitter. Criteria: Invitae Variant Classification Sherloc (09022015). Collection method: clinical testing. Allele origin: germline.
Comment: Advanced modeling of protein sequence and biophysical properties (such as structural, functional, and spatial information, amino acid conservation, physicochemical variation, residue mobility, and thermodynamic stability) performed at Invitae indicates that this missense variant is not expected to disrupt AHI1 protein function. In summary, the available evidence is currently insufficient to determine the role of this variant in disease. Therefore, it has been classified as a Variant of Uncertain Significance. This variant has not been reported in the literature in individuals affected with AHI1-related conditions. This sequence change replaces aspartic acid, which is acidic and polar, with asparagine, which is neutral and polar, at codon 319 of the AHI1 protein (p.Asp319Asn). This variant is present in population databases (rs747530127, gnomAD 0.004%).

NM_001134831.2(AHI1):c.955G>A (p.Asp319Asn)

Gene: AHI1 (Abelson helper integration site 1; minus strand). Cytogenetic location: 6q23.3.
Variant type: single nucleotide variant.
Coding change: c.955G>A on transcript NM_001134831.2 (MANE Select); coding-DNA position 955, G replaced by A.
Protein change: p.Asp319Asn; replaces aspartic acid 319 with asparagine.
Molecular consequence: missense variant.
Genome position (GRCh38, 1-based): chr6:135,457,690, C>T on the plus strand (G>A on the coding strand, the complement: AHI1 is on the minus strand). VCF-style: chr6-135457690-C-T. GRCh37 (hg19) VCF-style: chr6-135778828-C-T.
Other names: c.955G>A (NM_017651.4); c.955G>A, p.Asp319Asn (NM_001134830.2, NM_001134832.2, NM_001350503.2 and 2 more transcripts); short protein forms D319N.
Identifiers: ClinVar variation 2075858 (VCV002075858.5), dbSNP rs747530127, ClinGen allele CA4012700.